The following is an entry in ClinVar:

NM_000245.4(MET):c.1393-3T>C

Gene: MET (MET proto-oncogene, receptor tyrosine kinase; plus strand). Cytogenetic location: 7q31.2.
Variant type: single nucleotide variant.
Coding change: c.1393-3T>C on transcript NM_000245.4 (MANE Select); 3 bases into the intron before coding-DNA position 1393, T replaced by C.
Molecular consequence: intron variant.
Genome position (GRCh38, 1-based): chr7:116,739,947, T>C. VCF-style: chr7-116739947-T-C. GRCh37 (hg19) VCF-style: chr7-116380001-T-C.
Other names: c.1393-3T>C (NM_001127500.3, NM_001324401.3); c.103-3T>C (NM_001324402.2).
Identifiers: ClinVar variation 2587485 (VCV002587485.2), dbSNP rs2116825489, ClinGen allele CA2582341671.

ClinVar aggregate classification (germline): Uncertain significance (1 of 4 stars; one submission).

Conditions:
Hereditary cancer-predisposing syndrome. Also called: Tumor predisposition; Hereditary Cancer Syndrome; Hereditary neoplastic syndrome; Neoplastic Syndromes, Hereditary. Identifiers: Orphanet 140162, MedGen C0027672, MeSH D009386, MONDO:0015356.

Allele frequency attached by ClinVar (database versions not stated): gnomAD exomes below 0.00001.
gnomAD v4.1: 1 of 1,614,074 alleles (0.000062%); highest among the groups gnomAD compares: East Asian, 0.0022%; no homozygotes.

Submission:

Ambry Genetics
Classification: Uncertain significance for Hereditary cancer-predisposing syndrome. Last evaluated: 2023-08-12. Review status: criteria provided, single submitter. Criteria: Ambry Variant Classification Scheme 2023. Collection method: clinical testing. Allele origin: germline.
Comment: The c.1393-3T>C intronic variant results from a T to C substitution 3 nucleotides upstream from coding exon 3 in the MET gene. This nucleotide position is poorly conserved in available vertebrate species. In silico splice site analysis predicts that this alteration will not have any significant effect on splicing. Since supporting evidence is limited at this time, the clinical significance of this alteration remains unclear.